The following is an entry in ClinVar:

NM_001037132.4(NRCAM):c.3809G>T (p.Gly1270Val)

Gene: NRCAM (neuronal cell adhesion molecule; minus strand). Cytogenetic location: 7q31.1.
Variant type: single nucleotide variant.
Coding change: c.3809G>T on transcript NM_001037132.4 (MANE Select); coding-DNA position 3809, G replaced by T.
Protein change: p.Gly1270Val; replaces glycine 1270 with valine.
Molecular consequence: missense variant. On other transcripts: 3 prime UTR variant (2), non-coding transcript variant (5).
Genome position (GRCh38, 1-based): chr7:108,150,016, C>A on the plus strand (G>T on the coding strand, the complement: NRCAM is on the minus strand). VCF-style: chr7-108150016-C-A. GRCh37 (hg19) VCF-style: chr7-107790461-C-A.
Other names: c.3530G>T, p.Gly1177Val (NM_001193582.2, NM_001371128.1, NM_001371144.1 and 1 more transcripts); c.3473G>T, p.Gly1158Val (NM_001193583.2, NM_001371122.1, NM_001371139.1 and 7 more transcripts); c.3437G>T, p.Gly1146Val (NM_001193584.2, NM_001371162.1); c.3761G>T, p.Gly1254Val (NM_001371119.1); c.3539G>T, p.Gly1180Val (NM_001371123.1, NM_001371149.1); c.3752G>T, p.Gly1251Val (NM_001371124.1, NM_001371126.1, NM_001371172.1); c.3185G>T, p.Gly1062Val (NM_001371125.1, NM_001371147.1); c.3527G>T, p.Gly1176Val (NM_001371127.1); and 26 more; short protein forms G1200V, G1209V, G1216V, G1239V, G1251V, G1254V, G1258V, G1270V.
Identifiers: ClinVar variation 4292712 (VCV004292712.1).

ClinVar aggregate classification (germline): Uncertain significance (1 of 4 stars; one submission).

Conditions:
Neurodevelopmental disorder with neuromuscular and skeletal abnormalities (NEDNMS). Identifiers: MedGen C5676965, MONDO:0859236, OMIM 619833.

gnomAD v4.1: 13 of 1,614,074 alleles (0.00081%); highest among the groups gnomAD compares: African/African-American, 0.0013%; no homozygotes.

Submission:

3billion
Classification: Uncertain significance for Neurodevelopmental disorder with neuromuscular and skeletal abnormalities. Last evaluated: 2024-11-14. Review status: criteria provided, single submitter. Criteria: ACMG Guidelines, 2015. Collection method: clinical testing. Allele origin: germline. Affected: yes.
Comment: The variant is observed at an extremely low frequency in the gnomAD v4.1.0 dataset (total allele frequency: <0.001%). Predicted Consequence/Location: Missense variant In silico tool predictions suggest damaging effect of the variant on gene or gene product [REVEL: 0.79 (>=0.6, sensitivity 0.68 and specificity 0.92)]. Therefore, this variant is classified as VUS according to the recommendation of ACMG/AMP guideline.